The following is an entry in ClinVar:

ClinVar aggregate classification (germline): Benign/Likely benign. Review status: criteria provided, multiple submitters, no conflicts (2 of 4 stars). 5 submissions from 5 submitters: Benign (2); Likely benign (3). Last evaluated 2026-06-01.

Allele frequency attached by ClinVar (database versions not stated): gnomAD exomes 0.00025 and 0.00076; ExAC 0.00085; gnomAD 0.00255 and 0.00272; TOPMed 0.00273; 1000 Genomes Project 30x 0.00281; ESP Exome Variant Server 0.00284; 1000 Genomes Project 0.00300.
gnomAD v4.1: 777 of 1,610,464 alleles (0.048%); highest among the groups gnomAD compares: African/African-American, 0.91%; 3 homozygotes.

Submissions (5):

CeGaT Center for Human Genetics Tuebingen
Classification: Likely benign. Last evaluated: 2026-06-01. Review status: criteria provided, single submitter. Criteria: CeGaT Center For Human Genetics Tuebingen Variant Classification Criteria Version 2. Collection method: clinical testing. Allele origin: germline. Affected: yes. Observed: 3 variant alleles.
Comment: NFKB1: BP4, BS1

Labcorp Genetics (formerly Invitae), Labcorp
Classification: Benign. Last evaluated: 2026-01-26. Review status: criteria provided, single submitter. Criteria: Invitae Variant Classification Sherloc (09022015). Collection method: clinical testing. Allele origin: germline.

Women's Health and Genetics/Laboratory Corporation of America, LabCorp
Classification: Likely benign. Last evaluated: 2026-01-23. Review status: criteria provided, single submitter. Criteria: LabCorp Variant Classification Summary - May 2015. Collection method: clinical testing. Allele origin: germline.

Blueprint Genetics
Classification: Likely benign. Last evaluated: 2024-11-26. Review status: criteria provided, single submitter. Criteria: ACMG Guidelines, 2015. Collection method: clinical testing. Allele origin: germline.

Breakthrough Genomics
Classification: Benign. Review status: criteria provided, single submitter. Criteria: ACMG Guidelines, 2015. Collection method: not provided. Allele origin: germline. Inheritance: Autosomal dominant inheritance. Affected: yes.

NM_003998.4(NFKB1):c.1469C>T (p.Thr490Ile)

Gene: NFKB1 (nuclear factor kappa B subunit 1; plus strand). Cytogenetic location: 4q24.
Variant type: single nucleotide variant.
Coding change: c.1469C>T on transcript NM_003998.4 (MANE Select); coding-DNA position 1469, C replaced by T.
Protein change: p.Thr490Ile; replaces threonine 490 with isoleucine.
Molecular consequence: missense variant.
Genome position (GRCh38, 1-based): chr4:102,596,306, C>T. VCF-style: chr4-102596306-C-T. GRCh37 (hg19) VCF-style: chr4-103517463-C-T.
Other names: c.1466C>T, p.Thr489Ile (NM_001165412.2, NM_001319226.2); short protein forms T489I, T490I.
Identifiers: ClinVar variation 790005 (VCV000790005.36), dbSNP rs4648065, ClinGen allele CA3026158.